The following is an entry in ClinVar:

NM_206933.4(USH2A):c.13709del (p.Arg4570fs)

Gene: USH2A (usherin; minus strand). Cytogenetic location: 1q41.
Variant type: Deletion.
Coding change: c.13709del on transcript NM_206933.4 (MANE Select); coding-DNA position 13709, one base deleted (G; older notation c.13709delG).
Protein change: p.Arg4570fs; shifts the reading frame from arginine 4570.
Molecular consequence: frameshift variant.
Genome position (GRCh38, 1-based): chr1:215,674,202, C deleted on the plus strand (G on the coding strand, the reverse complement: USH2A is on the minus strand). VCF-style (leftmost placement, unchanged base first): chr1-215674201-AC-A. GRCh37 (hg19) VCF-style: chr1-215847543-AC-A.
Other names: c.13709delG (NM_206933.2); short protein forms R4570fs.
Identifiers: ClinVar variation 3240690 (VCV003240690.2), dbSNP rs2464893776.

ClinVar aggregate classification (germline): Likely pathogenic. Review status: criteria provided, multiple submitters, no conflicts (2 of 4 stars). 2 submissions from 2 submitters: Likely pathogenic (2). Last evaluated 2024-03-26.

Conditions:
Retinitis pigmentosa 39 (RP39). Identifiers: Orphanet 791, MedGen C3151138, MONDO:0013436, OMIM 613809.
Usher syndrome type 2A. Also called: RETINAL DISEASE IN USHER SYNDROME TYPE IIA, MODIFIER OF; USHER SYNDROME, TYPE IIA. Identifiers: Orphanet 231178, Orphanet 886, MedGen C1848634, MONDO:0010169, OMIM 276901.

Submissions (2):

Natera, Inc.
Classification: Likely pathogenic for Usher syndrome type 2A. Last evaluated: 2024-03-26. Review status: criteria provided, single submitter. Criteria: Natera Variant Classification Schema (03/2026). Collection method: clinical testing. Allele origin: germline.
Comment: The c.13709delG variant in USH2A is a frameshift variant predicted to shift the reading frame beginning at codon 4570 and leads to a stop codon 13 codons downstream. This variant is expected to result in nonsense mediated decay, truncation, or a dysfunctional protein product. This variant is rare in the general population with a frequency below the threshold expected for the associated phenotype(s). Given the available evidence, this variant is classified as Likely Pathogenic.

Baylor Genetics
Classification: Likely pathogenic for Retinitis pigmentosa 39. Last evaluated: 2024-03-16. Review status: criteria provided, single submitter. Criteria: ACMG Guidelines, 2015. Collection method: clinical testing. Allele origin: unknown.